The following is an entry in ClinVar:

ClinVar aggregate classification (germline): Uncertain significance (1 of 4 stars; one submission).

Conditions:
Hereditary cancer-predisposing syndrome. Also called: Neoplastic Syndromes, Hereditary; Tumor predisposition; Hereditary neoplastic syndrome; Hereditary Cancer Syndrome. Identifiers: Orphanet 140162, MedGen C0027672, MeSH D009386, MONDO:0015356.

Submission:

Ambry Genetics
Classification: Uncertain significance for Hereditary cancer-predisposing syndrome. Last evaluated: 2026-07-07. Review status: criteria provided, single submitter. Criteria: Ambry Variant Classification Scheme 2023. Collection method: clinical testing. Allele origin: germline.
Comment: The p.Q537H variant (also known as c.1611G>T), located in coding exon 5 of the AXIN2 gene, results from a G to T substitution at nucleotide position 1611. The glutamine at codon 537 is replaced by histidine, an amino acid with highly similar properties. This amino acid position is conserved. In addition, this alteration is predicted to be tolerated by in silico analysis. Based on the available evidence, the clinical significance of this variant remains unclear.

NM_004655.4(AXIN2):c.1611G>T (p.Gln537His)

Gene: AXIN2 (axin 2; minus strand). Cytogenetic location: 17q24.1.
Variant type: single nucleotide variant.
Coding change: c.1611G>T on transcript NM_004655.4 (MANE Select); coding-DNA position 1611, G replaced by T.
Protein change: p.Gln537His; replaces glutamine 537 with histidine.
Molecular consequence: missense variant.
Genome position (GRCh38, 1-based): chr17:65,537,425, C>A on the plus strand (G>T on the coding strand, the complement: AXIN2 is on the minus strand). VCF-style: chr17-65537425-C-A. GRCh37 (hg19) VCF-style: chr17-63533543-C-A.
Other names: c.1611G>T, p.Gln537His (NM_001363813.1); short protein forms Q537H.
Identifiers: ClinVar variation 5032596 (VCV005032596.1).
Genomic context (GRCh38, chr17:65,537,425, plus strand): 5'-GCTTTTGCATTTCGAGTAGCAGTAATACTCGCTGCCCCCAGGGCAGAAGCAGTGCACCCG[C>A]TGCGTGGCCTCCGCCTCGATCTCCTCCTTGGTCTTGGGGACGGCATGGTGGTGGATGTAG-3'
Protein context (NP_004646.3, residues 527-547): TKEEIEAEAT[Gln537His]RVHCFCPGGS